The following is an entry in ClinVar:

ClinVar aggregate classification (germline): Uncertain significance. Review status: criteria provided, single submitter (1 of 4 stars). 2 submissions from 2 submitters: Uncertain significance (1). 1 of the submissions does not count toward it. Last evaluated 2024-11-26.

Conditions:
Amyotrophic lateral sclerosis type 1 (ALS1). Also called: AMYOTROPHIC LATERAL SCLEROSIS 1, FAMILIAL. Identifiers: Orphanet 803, MedGen C1862939, MONDO:0007103, OMIM 105400.
Perry syndrome. Also called: PARKINSONISM WITH ALVEOLAR HYPOVENTILATION AND MENTAL DEPRESSION. Identifiers: Orphanet 178509, MedGen C1868594, MONDO:0008201, OMIM 168605.
Neuronopathy, distal hereditary motor, type 7B. Also called: NEURONOPATHY, DISTAL HEREDITARY MOTOR, AUTOSOMAL DOMINANT 14; NEURONOPATHY, DISTAL HEREDITARY MOTOR, HARDING TYPE VIIB; NEUROPATHY, DISTAL HEREDITARY MOTOR, HARDING TYPE VIIB; NEUROPATHY, DISTAL HEREDITARY MOTOR, WITH VOCAL CORD PARALYSIS, HARDING TYPE VIIB; HMN VIIB; Distal Hereditary Motor Neuronopathy Type 7B (dHMN7B). Identifiers: Orphanet 139589, MedGen C1843315, MONDO:0011879, OMIM 607641.
DCTN1-related disorder. Also called: DCTN1-related condition.

gnomAD v4.1: 4 of 1,613,726 alleles (0.00025%); highest among the groups gnomAD compares: Non-Finnish European, 0.00034%; no homozygotes.

Submissions (2):

Labcorp Genetics (formerly Invitae), Labcorp
Classification: Uncertain significance for Amyotrophic lateral sclerosis type 1; Neuronopathy, distal hereditary motor, type 7B; Perry syndrome. Last evaluated: 2024-11-26. Review status: criteria provided, single submitter. Criteria: Invitae Variant Classification Sherloc (09022015). Collection method: clinical testing. Allele origin: germline.
Comment: This sequence change replaces arginine, which is basic and polar, with lysine, which is basic and polar, at codon 1233 of the DCTN1 protein (p.Arg1233Lys). This variant is not present in population databases (gnomAD no frequency). This variant has not been reported in the literature in individuals affected with DCTN1-related conditions. Invitae Evidence Modeling of protein sequence and biophysical properties (such as structural, functional, and spatial information, amino acid conservation, physicochemical variation, residue mobility, and thermodynamic stability) indicates that this missense variant is not expected to disrupt DCTN1 protein function with a negative predictive value of 95%. In summary, the available evidence is currently insufficient to determine the role of this variant in disease. Therefore, it has been classified as a Variant of Uncertain Significance.

PreventionGenetics, part of Exact Sciences
Classification: Uncertain significance for DCTN1-related condition. Last evaluated: 2024-08-13. Review status: no assertion criteria provided. Collection method: clinical testing. Allele origin: germline. Not counted in ClinVar's aggregate classification.
Comment: The DCTN1 c.3698G>A variant is predicted to result in the amino acid substitution p.Arg1233Lys. To our knowledge, this variant has not been reported in the literature or in a large population database, indicating this variant is rare. At this time, the clinical significance of this variant is uncertain due to the absence of conclusive functional and genetic evidence.

NM_004082.5(DCTN1):c.3698G>A (p.Arg1233Lys)

Gene: DCTN1 (dynactin subunit 1; minus strand). Cytogenetic location: 2p13.1.
Variant type: single nucleotide variant.
Coding change: c.3698G>A on transcript NM_004082.5 (MANE Select); coding-DNA position 3698, G replaced by A.
Protein change: p.Arg1233Lys; replaces arginine 1233 with lysine.
Molecular consequence: missense variant. On other transcripts: non-coding transcript variant (1).
Genome position (GRCh38, 1-based): chr2:74,362,053, C>T on the plus strand (G>A on the coding strand, the complement: DCTN1 is on the minus strand). VCF-style: chr2-74362053-C-T. GRCh37 (hg19) VCF-style: chr2-74589180-C-T.
Other names: c.3623G>A, p.Arg1208Lys (NM_001135040.3); c.3281G>A, p.Arg1094Lys (NM_001135041.3); c.3572G>A, p.Arg1191Lys (NM_001190836.2); c.3677G>A, p.Arg1226Lys (NM_001190837.2); c.3647G>A, p.Arg1216Lys (NM_001378991.1); c.3629G>A, p.Arg1210Lys (NM_001378992.1); c.3296G>A, p.Arg1099Lys (NM_023019.4); short protein forms R1094K, R1099K, R1191K, R1208K, R1210K, R1216K, R1226K, R1233K.
Identifiers: ClinVar variation 3344258 (VCV003344258.3).
Genomic context (GRCh38, chr2:74,362,053, plus strand): 5'-AGGGGGGCCCGCCTGAGCTCTCCACACTGTCCCATCCTCCACCCCATGCTCCCCCTCACC[C>T]TGAGGAAGGCTGATGAAGGGAAGGTGGCAAAGTCAGTGGGTACTGTGGCTCCAGGGCGCT-3'
Protein context (NP_004073.2, residues 1223-1243): FATFPSSAFL[Arg1233Lys]AKEEQQDDTV